The following is an entry in ClinVar:

NM_078480.3(PUF60):c.510+1G>T

Gene: PUF60 (poly(U) binding splicing factor 60; minus strand). Cytogenetic location: 8q24.3.
Variant type: single nucleotide variant.
Coding change: c.510+1G>T on transcript NM_078480.3 (MANE Select); the canonical splice donor site of the intron after coding-DNA position 510, G replaced by T.
Molecular consequence: splice donor variant.
Genome position (GRCh38, 1-based): chr8:143,818,372, C>A on the plus strand (G>T on the coding strand, the complement: PUF60 is on the minus strand). VCF-style: chr8-143818372-C-A. GRCh37 (hg19) VCF-style: chr8-144900542-C-A.
Other names: c.372+1G>T (NM_001271097.2); c.423+1G>T (NM_001271099.2); c.456+1G>T (NM_001271096.2); c.507+1G>T (NM_001271098.2); c.459+1G>T (NM_014281.5); c.330+1G>T (NM_001271100.2); c.381+1G>T (NM_001136033.3); c.570+1G>T (NM_001362897.2); and 1 more.
Identifiers: ClinVar variation 985402 (VCV000985402.4), dbSNP rs1816618311, ClinGen allele CA372492853.

ClinVar aggregate classification (germline): Pathogenic. Review status: criteria provided, single submitter (1 of 4 stars). 2 submissions from 2 submitters: Pathogenic (1). 1 of the submissions does not count toward it. Last evaluated 2018-08-07.

Conditions:
Intellectual disability-cardiac anomalies-short stature-joint laxity syndrome. Identifiers: Orphanet 508498, MedGen C5568572, MONDO:0034989.
Inborn genetic diseases. Identifiers: MedGen C0950123, MeSH D030342.

Submissions (2):

Ambry Genetics
Classification: Pathogenic for Inborn genetic diseases. Last evaluated: 2018-08-07. Review status: criteria provided, single submitter. Criteria: Ambry exome assertion method (8-5-2015). Collection method: clinical testing. Allele origin: germline. Affected: yes. Observed: 1 variant allele.

Division of Pediatric Neurology, Department of Pediatrics, University Hospital Cologne
Classification: Pathogenic for Intellectual disability-cardiac anomalies-short stature-joint laxity syndrome. Review status: no assertion criteria provided. Collection method: clinical testing. Allele origin: de novo. Affected: yes. Not counted in ClinVar's aggregate classification.
Comment: The de novo heterozygous c.510+1G>T splice site variant was absent from healthy population databases (gnomAD v.3.1.2). This variant likely results in reduced protein expression. A previous study has reported a similar phenotype with a splice site variant as pathogenic (Grimes et al., 2023).

Literature cited by the submitters: DOI 10.1002/ajmg.a.63313 (cited by Division of Pediatric Neurology, Department of Pediatrics, University Hospital Cologne).